The following is an entry in ClinVar:

ClinVar aggregate classification (germline): Pathogenic (1 of 4 stars; one submission).

Conditions:
Charcot-Marie-Tooth disease type 4. Also called: Charcot-Marie-Tooth, Type 4; Charcot-Marie-Tooth disease, type IV. Identifiers: Orphanet 64749, MedGen C4082197, MONDO:0018995.

Allele frequency attached by ClinVar (database versions not stated): gnomAD exomes below 0.00001.

Submission:

Labcorp Genetics (formerly Invitae), Labcorp
Classification: Pathogenic for Charcot-Marie-Tooth disease type 4. Last evaluated: 2023-12-23. Review status: criteria provided, single submitter. Criteria: Invitae Variant Classification Sherloc (09022015). Collection method: clinical testing. Allele origin: germline.
Comment: This sequence change creates a premature translational stop signal (p.Gln506Argfs*16) in the SBF2 gene. It is expected to result in an absent or disrupted protein product. Loss-of-function variants in SBF2 are known to be pathogenic (PMID: 12687498, 25873783). This variant is not present in population databases (gnomAD no frequency). This variant has not been reported in the literature in individuals affected with SBF2-related conditions. For these reasons, this variant has been classified as Pathogenic.

Literature cited by the submitters: PubMed 12687498; PubMed 25873783.

NM_030962.4(SBF2):c.1516del (p.Gln506fs)

Gene: SBF2 (SET binding factor 2; minus strand). Cytogenetic location: 11p15.4.
Variant type: Deletion.
Coding change: c.1516del on transcript NM_030962.4 (MANE Select); coding-DNA position 1516, one base deleted (C; older notation c.1516delC).
Protein change: p.Gln506fs; shifts the reading frame from glutamine 506.
Molecular consequence: frameshift variant.
Genome position (GRCh38, 1-based): chr11:9,968,425, G deleted on the plus strand (C on the coding strand, the reverse complement: SBF2 is on the minus strand). VCF-style (leftmost placement, unchanged base first): chr11-9968424-TG-T. GRCh37 (hg19) VCF-style: chr11-9989971-TG-T.
Other names: c.1516del, p.Gln506fs (NM_001386339.1); c.1387del, p.Gln463fs (NM_001386342.1); c.1552del, p.Gln518fs (NM_001424318.1); c.1552delC, p.Gln518Argfs (NM_001425069.1, NM_001425070.1); short protein forms Q463fs, Q518fs, Q506fs.
Identifiers: ClinVar variation 2899750 (VCV002899750.3), dbSNP rs2495918382, ClinGen allele CA2612445996.